The following is an entry in ClinVar:

NM_000268.4(NF2):c.958C>T (p.Gln320Ter)

Gene: NF2 (NF2, moesin-ezrin-radixin like (MERLIN) tumor suppressor; plus strand). Cytogenetic location: 22q12.2.
Variant type: single nucleotide variant.
Coding change: c.958C>T on transcript NM_000268.4 (MANE Select); coding-DNA position 958, C replaced by T.
Protein change: p.Gln320Ter; replaces glutamine 320 with a stop codon.
Molecular consequence: nonsense. On other transcripts: non-coding transcript variant (1), intron variant (1).
Genome position (GRCh38, 1-based): chr22:29,668,405, C>T. VCF-style: chr22-29668405-C-T. GRCh37 (hg19) VCF-style: chr22-30064394-C-T.
Other names: c.958C>T, p.Gln320Ter (LRG_511t2, NM_016418.5, NM_181825.3 and 1 more transcripts); c.832C>T, p.Gln278Ter (NM_181828.3); c.835C>T, p.Gln279Ter (NM_181829.3); c.709C>T, p.Gln237Ter (NM_181830.3, NM_181831.3); c.447+26120C>T (NM_181833.3); c.958C>T (NM_000268.3); short protein forms Q320*, Q278*.
Identifiers: ClinVar variation 3291 (VCV000003291.4), dbSNP rs74315497, ClinGen allele CA021453.

ClinVar aggregate classification (germline): Pathogenic. Review status: criteria provided, single submitter (1 of 4 stars). 2 submissions from 2 submitters: Pathogenic (1). 1 of the submissions does not count toward it. Last evaluated 2023-12-27.

Conditions:
Hereditary cancer-predisposing syndrome. Also called: Neoplastic Syndromes, Hereditary; Tumor predisposition; Hereditary Cancer Syndrome; Hereditary neoplastic syndrome. Identifiers: Orphanet 140162, MedGen C0027672, MeSH D009386, MONDO:0015356.
Neurofibromatosis, type 2 (SWNV). Also called: SCHWANNOMATOSIS, VESTIBULAR; NF2-Related Schwannomatosis; BILATERAL ACOUSTIC NEUROFIBROMATOSIS. Identifiers: Orphanet 637, MedGen C0027832, MONDO:0007039, OMIM 101000. Disease mechanism: loss of function.

Submissions (2):

Ambry Genetics
Classification: Pathogenic for Hereditary cancer-predisposing syndrome. Last evaluated: 2023-12-27. Review status: criteria provided, single submitter. Criteria: Ambry Variant Classification Scheme 2023. Collection method: clinical testing. Allele origin: germline.
Comment: The p.Q320* pathogenic mutation (also known as c.958C>T), located in coding exon 10 of the NF2 gene, results from a C to T substitution at nucleotide position 958. This changes the amino acid from a glutamine to a stop codon within coding exon 10. This alteration has been observed in multiple individuals with a personal history that is consistent with NF2-related disease (MacCollin M et al. Am J Hum Genet, 1994 Aug;55:314-20; Ambry internal data). This alteration is expected to result in loss of function by premature protein truncation or nonsense-mediated mRNA decay. Based on the supporting evidence, this alteration is interpreted as a disease-causing mutation.

OMIM
Classification: Pathogenic for SHWANNOMATOSIS, VESTIBULAR. Last evaluated: 1994-08-01. Review status: no assertion criteria provided. Collection method: literature only. Allele origin: germline. Not counted in ClinVar's aggregate classification.

Literature cited by the submitters: PubMed 7913580 (cited by Ambry Genetics and OMIM).